The following is an entry in ClinVar:

ClinVar aggregate classification (germline): Benign (1 of 4 stars; one submission).

Conditions:
Fleck corneal dystrophy (CFD). Also called: CORNEAL DYSTROPHY, FRANCOIS-NEETENS SPECKLED OR FLECKED. Identifiers: Orphanet 98970, MedGen C1562113, MONDO:0007376, OMIM 121850.

Allele frequency attached by ClinVar (database versions not stated): gnomAD exomes 0.00054 and 0.00019; 1000 Genomes Project 30x 0.00141; 1000 Genomes Project 0.00160; gnomAD 0.00016 and 0.00024; TOPMed 0.00044; ExAC 0.00051.

Submission:

Illumina Laboratory Services, Illumina
Classification: Benign for Fleck corneal dystrophy. Last evaluated: 2018-01-12. Review status: criteria provided, single submitter. Criteria: ICSL Variant Classification Criteria 13 December 2019. Collection method: clinical testing. Allele origin: germline.
Comment: This variant was observed in the ICSL laboratory as part of a predisposition screen in an ostensibly healthy population. It had not been previously curated by ICSL or reported in the Human Gene Mutation Database (HGMD: prior to June 1st, 2018), and was therefore a candidate for classification through an automated scoring system. Utilizing variant allele frequency, disease prevalence and penetrance estimates, and inheritance mode, an automated score was calculated to assess if this variant is too frequent to cause the disease. Based on the score and internal cut-off values, a variant classified as benign is not then subjected to further curation. The score for this variant resulted in a classification of benign for this disease.

NM_015040.4(PIKFYVE):c.5594C>T (p.Ala1865Val)

Gene: PIKFYVE (phosphoinositide kinase, FYVE-type zinc finger containing; plus strand). Cytogenetic location: 2q34.
Variant type: single nucleotide variant.
Coding change: c.5594C>T on transcript NM_015040.4 (MANE Select); coding-DNA position 5594, C replaced by T.
Protein change: p.Ala1865Val; replaces alanine 1865 with valine.
Molecular consequence: missense variant.
Genome position (GRCh38, 1-based): chr2:208,350,930, C>T. VCF-style: chr2-208350930-C-T. GRCh37 (hg19) VCF-style: chr2-209215654-C-T.
Other names: short protein forms A1865V.
Identifiers: ClinVar variation 333936 (VCV000333936.5), dbSNP rs137922460, ClinGen allele CA2080676.